The following is an entry in ClinVar:

ClinVar aggregate classification (germline): Uncertain significance (1 of 4 stars; one submission).

Submission:

Labcorp Genetics (formerly Invitae), Labcorp
Classification: Uncertain significance. Last evaluated: 2024-05-04. Review status: criteria provided, single submitter. Criteria: Invitae Variant Classification Sherloc (09022015). Collection method: clinical testing. Allele origin: germline.
Comment: This sequence change replaces alanine, which is neutral and non-polar, with proline, which is neutral and non-polar, at codon 1086 of the LRP6 protein (p.Ala1086Pro). This variant is not present in population databases (gnomAD no frequency). This variant has not been reported in the literature in individuals affected with LRP6-related conditions. Advanced modeling of protein sequence and biophysical properties (such as structural, functional, and spatial information, amino acid conservation, physicochemical variation, residue mobility, and thermodynamic stability) performed at Invitae indicates that this missense variant is not expected to disrupt LRP6 protein function with a negative predictive value of 80%. In summary, the available evidence is currently insufficient to determine the role of this variant in disease. Therefore, it has been classified as a Variant of Uncertain Significance.

NM_002336.3(LRP6):c.3256G>C (p.Ala1086Pro)

Gene: LRP6 (LDL receptor related protein 6; minus strand). Cytogenetic location: 12p13.2.
Variant type: single nucleotide variant.
Coding change: c.3256G>C on transcript NM_002336.3 (MANE Select); coding-DNA position 3256, G replaced by C.
Protein change: p.Ala1086Pro; replaces alanine 1086 with proline.
Molecular consequence: missense variant. On other transcripts: non-coding transcript variant (1).
Genome position (GRCh38, 1-based): chr12:12,147,507, C>G on the plus strand (G>C on the coding strand, the complement: LRP6 is on the minus strand). VCF-style: chr12-12147507-C-G. GRCh37 (hg19) VCF-style: chr12-12300441-C-G.
Other names: c.3058G>C, p.Ala1020Pro (NM_001414247.1); c.3256G>C, p.Ala1086Pro (NM_001414248.1, NM_001414249.1, NM_001414250.1 and 4 more transcripts); c.2803G>C, p.Ala935Pro (NM_001414252.1, NM_001414253.1, NM_001414254.1); c.2749G>C, p.Ala917Pro (NM_001414255.1); short protein forms A1020P, A935P, A1086P, A917P.
Identifiers: ClinVar variation 3652147 (VCV003652147.2).
Genomic context (GRCh38, chr12:12,147,507, plus strand): 5'-CAATTGGTTTACTTAAGCCACTGAAAAAGAGGACCTCCCGTTCTGTCCCATCCAAAGCAG[C>G]CCGTTCAATTTTAGGAGACCTTTCCTGAAGATTGGTAAAATACATATACCTAGAGGGAAA-3'
Protein context (NP_002327.2, residues 1076-1096): LQERSPKIER[Ala1086Pro]ALDGTEREVL